The following is an entry in ClinVar:

NM_000289.6(PFKM):c.1628A>C (p.Asp543Ala)

Gene: PFKM (phosphofructokinase, muscle; plus strand). Cytogenetic location: 12q13.11.
Variant type: single nucleotide variant.
Coding change: c.1628A>C on transcript NM_000289.6 (MANE Select); coding-DNA position 1628, A replaced by C.
Protein change: p.Asp543Ala; replaces aspartic acid 543 with alanine.
Molecular consequence: missense variant. On other transcripts: non-coding transcript variant (6).
Genome position (GRCh38, 1-based): chr12:48,142,041, A>C. VCF-style: chr12-48142041-A-C. GRCh37 (hg19) VCF-style: chr12-48535824-A-C.
Other names: c.1841A>C, p.Asp614Ala (NM_001166686.2, NM_001354737.1, NM_001354738.1 and 1 more transcripts); c.1628A>C, p.Asp543Ala (NM_001166687.2, NM_001166688.2, NM_001354742.2 and 2 more transcripts); c.1937A>C, p.Asp646Ala (NM_001354735.1, NM_001354736.1); c.1772A>C, p.Asp591Ala (NM_001354740.1); c.1652A>C, p.Asp551Ala (NM_001354741.2); c.1541A>C, p.Asp514Ala (NM_001354745.2); c.1502A>C, p.Asp501Ala (NM_001354746.2); c.1478A>C, p.Asp493Ala (NM_001354747.2, NM_001354748.2); and 1 more; short protein forms D543A, D614A, D501A, D514A, D591A, D493A, D512A, D646A.
Identifiers: ClinVar variation 1155 (VCV000001155.5), dbSNP rs121918194, ClinGen allele CA114802.

ClinVar aggregate classification (germline): Uncertain significance. Review status: criteria provided, single submitter (1 of 4 stars). 2 submissions from 2 submitters: Uncertain significance (1). 1 of the submissions does not count toward it. Last evaluated 2024-05-06.

Conditions:
Glycogen storage disease, type VII (GSD7). Also called: MUSCLE PHOSPHOFRUCTOKINASE DEFICIENCY; PFKM DEFICIENCY; TARUI DISEASE; GSD VII. Identifiers: Orphanet 371, MedGen C0017926, MONDO:0009295, OMIM 232800.

Allele frequency attached by ClinVar (database versions not stated): TOPMed below 0.00001; gnomAD exomes 0.00001 and 0.00002; ExAC 0.00003.
gnomAD v4.1: 4 of 1,614,166 alleles (0.00025%); highest among the groups gnomAD compares: Non-Finnish European, 0.00034%; no homozygotes.

Submissions (2):

Labcorp Genetics (formerly Invitae), Labcorp
Classification: Uncertain significance for Glycogen storage disease, type VII. Last evaluated: 2024-05-06. Review status: criteria provided, single submitter. Criteria: Invitae Variant Classification Sherloc (09022015). Collection method: clinical testing. Allele origin: germline.
Comment: This sequence change replaces aspartic acid, which is acidic and polar, with alanine, which is neutral and non-polar, at codon 543 of the PFKM protein (p.Asp543Ala). This variant is present in population databases (rs121918194, gnomAD 0.004%). This missense change has been observed in individual(s) with clinical features of glycogen storage disease (PMID: 7513946). ClinVar contains an entry for this variant (Variation ID: 1155). Advanced modeling of protein sequence and biophysical properties (such as structural, functional, and spatial information, amino acid conservation, physicochemical variation, residue mobility, and thermodynamic stability) performed at Invitae indicates that this missense variant is expected to disrupt PFKM protein function with a positive predictive value of 80%. Experimental studies have shown that this missense change affects PFKM function (PMID: 22995305). In summary, the available evidence is currently insufficient to determine the role of this variant in disease. Therefore, it has been classified as a Variant of Uncertain Significance.

OMIM
Classification: Pathogenic for GLYCOGEN STORAGE DISEASE VII. Last evaluated: 1994-05-01. Review status: no assertion criteria provided. Collection method: literature only. Allele origin: germline. Not counted in ClinVar's aggregate classification.

Literature cited by the submitters: PubMed 7513946 (cited by Labcorp Genetics (formerly Invitae), Labcorp and OMIM); PubMed 22995305 (cited by Labcorp Genetics (formerly Invitae), Labcorp).